The following is an entry in ClinVar:

NM_001061.7(TBXAS1):c.333+2T>C

Gene: TBXAS1 (thromboxane A synthase 1; plus strand). Cytogenetic location: 7q34.
Variant type: single nucleotide variant.
Coding change: c.333+2T>C on transcript NM_001061.7 (MANE Select); the canonical splice donor site of the intron after coding-DNA position 333, T replaced by C.
Molecular consequence: splice donor variant. On other transcripts: intron variant (1).
Genome position (GRCh38, 1-based): chr7:139,911,323, T>C. VCF-style: chr7-139911323-T-C. GRCh37 (hg19) VCF-style: chr7-139611122-T-C.
Other names: c.333+2T>C (NM_001130966.5, NM_001166253.4, NM_030984.6 and 1 more transcripts); c.132+2T>C (NM_001166254.4); c.276+2T>C (NM_001314028.4); c.151-24868T>C (NM_001366537.3).
Identifiers: ClinVar variation 3717255 (VCV003717255.2).

ClinVar aggregate classification (germline): Likely pathogenic (1 of 4 stars; one submission).

gnomAD v4.1: 17 of 1,612,884 alleles (0.0011%); highest among the groups gnomAD compares: East Asian, 0.029%; no homozygotes.

Submission:

Labcorp Genetics (formerly Invitae), Labcorp
Classification: Likely pathogenic. Last evaluated: 2025-01-23. Review status: criteria provided, single submitter. Criteria: Invitae Variant Classification Sherloc (09022015). Collection method: clinical testing. Allele origin: germline.
Comment: This sequence change affects a donor splice site in intron 4 of the TBXAS1 gene. It is expected to disrupt RNA splicing. Variants that disrupt the donor or acceptor splice site typically lead to a loss of protein function (PMID: 16199547), and loss-of-function variants in TBXAS1 are known to be pathogenic (PMID: 22735388). This variant is present in population databases (rs747387551, gnomAD 0.06%). This variant has not been reported in the literature in individuals affected with TBXAS1-related conditions. Algorithms developed to predict the effect of sequence changes on RNA splicing suggest that this variant may disrupt the consensus splice site. In summary, the currently available evidence indicates that the variant is pathogenic, but additional data are needed to prove that conclusively. Therefore, this variant has been classified as Likely Pathogenic.

Literature cited by the submitters: PubMed 16199547; PubMed 22735388.